The following is an entry in ClinVar:

NM_006267.5(RANBP2):c.5394C>T (p.Ser1798=)

Gene: RANBP2 (RAN binding protein 2; plus strand). Cytogenetic location: 2q13.
Variant type: single nucleotide variant.
Coding change: c.5394C>T on transcript NM_006267.5 (MANE Select); coding-DNA position 5394, C replaced by T.
Protein change: p.Ser1798=; no amino-acid change (serine 1798 retained).
Molecular consequence: synonymous variant.
Genome position (GRCh38, 1-based): chr2:108,765,933, C>T. VCF-style: chr2-108765933-C-T. GRCh37 (hg19) VCF-style: chr2-109382389-C-T.
Identifiers: ClinVar variation 507880 (VCV000507880.1), dbSNP rs368119755, ClinGen allele CA1823275.
Genomic context (GRCh38, chr2:108,765,933, plus strand): 5'-GTTCATCAGGAAAGGACAGTGGGATTGTAGTGTTTGCTGTGTACAAAATGAGAGTTCTTC[C>T]TTAAAATGTGTGGCTTGTGATGCCTCTAAACCAACTCATAAACCTATTGCAGAAGCTCCT-3'
Protein context (NP_006258.3, residues 1788-1808): SVCCVQNESS[Ser1798=]LKCVACDASK

ClinVar aggregate classification (germline): Likely benign (1 of 4 stars; one submission).

Submission:

GeneDx
Classification: Likely benign. Last evaluated: 2017-03-22. Review status: criteria provided, single submitter. Criteria: GeneDx Variant Classification (06012015). Collection method: clinical testing. Allele origin: germline. Affected: yes.
Comment: This variant is considered likely benign or benign based on one or more of the following criteria: it is a conservative change, it occurs at a poorly conserved position in the protein, it is predicted to be benign by multiple in silico algorithms, and/or has population frequency not consistent with disease.